The following is an entry in ClinVar:

ClinVar aggregate classification (germline): Uncertain significance. Review status: criteria provided, multiple submitters, no conflicts (2 of 4 stars). 2 submissions from 2 submitters: Uncertain significance (2). Last evaluated 2024-12-12.

Conditions:
Inborn genetic diseases. Identifiers: MedGen C0950123, MeSH D030342.
Autosomal recessive severe congenital neutropenia due to G6PC3 deficiency. Also called: G6PC3 Deficiency; NEUTROPENIA, SEVERE CONGENITAL, 4, AUTOSOMAL RECESSIVE. Identifiers: Orphanet 331176, MedGen C2751630, MONDO:0012930, OMIM 612541.

Allele frequency attached by ClinVar (database versions not stated): TOPMed 0.00001; gnomAD 0.00001; ExAC 0.00002; 1000 Genomes Project 30x 0.00016; gnomAD exomes 0.00002 and below 0.00001; 1000 Genomes Project 0.00020.

Submissions (2):

Ambry Genetics
Classification: Uncertain significance for Inborn genetic diseases. Last evaluated: 2024-12-12. Review status: criteria provided, single submitter. Criteria: Ambry Variant Classification Scheme 2023. Collection method: clinical testing. Allele origin: germline.
Comment: The p.V144E variant (also known as c.431T>A), located in coding exon 4 of the G6PC3 gene, results from a T to A substitution at nucleotide position 431. The valine at codon 144 is replaced by glutamic acid, an amino acid with dissimilar properties. This amino acid position is conserved. In addition, this alteration is predicted to be tolerated by in silico analysis. Based on the available evidence, the clinical significance of this variant remains unclear.

Labcorp Genetics (formerly Invitae), Labcorp
Classification: Uncertain significance for Autosomal recessive severe congenital neutropenia due to G6PC3 deficiency. Last evaluated: 2024-07-06. Review status: criteria provided, single submitter. Criteria: Invitae Variant Classification Sherloc (09022015). Collection method: clinical testing. Allele origin: germline.
Comment: This sequence change replaces valine, which is neutral and non-polar, with glutamic acid, which is acidic and polar, at codon 144 of the G6PC3 protein (p.Val144Glu). This variant is present in population databases (rs561313644, gnomAD 0.01%). This variant has not been reported in the literature in individuals affected with G6PC3-related conditions. ClinVar contains an entry for this variant (Variation ID: 958461). Advanced modeling of protein sequence and biophysical properties (such as structural, functional, and spatial information, amino acid conservation, physicochemical variation, residue mobility, and thermodynamic stability) performed at Invitae indicates that this missense variant is not expected to disrupt G6PC3 protein function with a negative predictive value of 80%. In summary, the available evidence is currently insufficient to determine the role of this variant in disease. Therefore, it has been classified as a Variant of Uncertain Significance.

NM_138387.4(G6PC3):c.431T>A (p.Val144Glu)

Gene: G6PC3 (glucose-6-phosphatase catalytic subunit 3; plus strand). Cytogenetic location: 17q21.31.
Variant type: single nucleotide variant.
Coding change: c.431T>A on transcript NM_138387.4 (MANE Select); coding-DNA position 431, T replaced by A.
Protein change: p.Val144Glu; replaces valine 144 with glutamic acid.
Molecular consequence: missense variant. On other transcripts: intron variant (1).
Genome position (GRCh38, 1-based): chr17:44,074,983, T>A. VCF-style: chr17-44074983-T-A. GRCh37 (hg19) VCF-style: chr17-42152351-T-A.
Other names: c.86T>A, p.Val29Glu (NM_001384165.1, NM_001384166.1, NM_001384167.1 and 1 more transcripts); c.416+213T>A (NM_001319945.2); short protein forms V144E, V29E.
Identifiers: ClinVar variation 958461 (VCV000958461.10), dbSNP rs561313644, ClinGen allele CA8596034.